The following is an entry in ClinVar:

NM_004304.5(ALK):c.1442A>G (p.Asn481Ser)

Gene: ALK (ALK receptor tyrosine kinase; minus strand). Cytogenetic location: 2p23.2.
Variant type: single nucleotide variant.
Coding change: c.1442A>G on transcript NM_004304.5 (MANE Select); coding-DNA position 1442, A replaced by G.
Protein change: p.Asn481Ser; replaces asparagine 481 with serine.
Molecular consequence: missense variant.
Genome position (GRCh38, 1-based): chr2:29,320,855, T>C on the plus strand (A>G on the coding strand, the complement: ALK is on the minus strand). VCF-style: chr2-29320855-T-C. GRCh37 (hg19) VCF-style: chr2-29543721-T-C.
Other names: short protein forms N481S.
Identifiers: ClinVar variation 2566559 (VCV002566559.2), dbSNP rs2465435719, ClinGen allele CA346472646.

ClinVar aggregate classification (germline): Uncertain significance (1 of 4 stars; one submission).

Conditions:
Hereditary cancer-predisposing syndrome. Also called: Neoplastic Syndromes, Hereditary; Hereditary Cancer Syndrome; Hereditary neoplastic syndrome; Tumor predisposition. Identifiers: Orphanet 140162, MedGen C0027672, MeSH D009386, MONDO:0015356.

Submission:

Ambry Genetics
Classification: Uncertain significance for Hereditary cancer-predisposing syndrome. Last evaluated: 2023-03-24. Review status: criteria provided, single submitter. Criteria: Ambry Variant Classification Scheme 2023. Collection method: clinical testing. Allele origin: germline.
Comment: The p.N481S variant (also known as c.1442A>G), located in coding exon 7 of the ALK gene, results from an A to G substitution at nucleotide position 1442. The asparagine at codon 481 is replaced by serine, an amino acid with highly similar properties. This amino acid position is conserved. In addition, this alteration is predicted to be tolerated by in silico analysis. Since supporting evidence is limited at this time, the clinical significance of this alteration remains unclear.